The following is an entry in ClinVar:

NM_001190274.2(FBXO11):c.2443_2446+5del

Genes: FBXO11 (F-box protein 11; minus strand), MSH6 (mutS homolog 6; plus strand). Cytogenetic location: 2p16.3.
Variant type: Deletion.
Coding change: c.2443_2446+5del on transcript NM_001190274.2 (MANE Select); coding-DNA position 2443 through 5 bases into the intron after coding-DNA position 2446, 9 bases deleted (AAAGGTATG; older notation c.2443_2446+5delAAAGGTATG).
Molecular consequence: splice donor variant.
Genome position (GRCh38, 1-based): chr2:47,809,595-47,809,603, CATACCTTT deleted on the plus strand (AAAGGTATG on the coding strand, the reverse complement: FBXO11 is on the minus strand); deleting any 9 consecutive bases within chr2:47,809,595-47,809,606 gives the same sequence; the c. name uses the placement nearest the transcript's 3' end. VCF-style (leftmost placement, unchanged base first): chr2-47809594-ACATACCTTT-A. GRCh37 (hg19) VCF-style: chr2-48036733-ACATACCTTT-A.
Other names: c.2191_2194+5del (NM_001374325.1, NM_025133.4).
Identifiers: ClinVar variation 1098667 (VCV001098667.1), dbSNP rs2104625803, ClinGen allele CA2499216159.
Genomic context (GRCh38, chr2:47,809,594, plus strand): 5'-AACGGCTTCTGATTATCTTTCATGGCATATTGCATATATTTATAGGTATAGCAGACTCCA[ACATACCTTT>A]CATTGTCACATTAACACCAGATGCTAAAAATAAGCCTCCAAACCGGTTGTTAAAAATCTG-3'

ClinVar aggregate classification (germline): Uncertain significance (1 of 4 stars; one submission).

Conditions:
Intellectual developmental disorder with dysmorphic facies and behavioral abnormalities. Identifiers: MedGen C4748135, MONDO:0060760, OMIM 618089.

Submission:

New York Genome Center
Classification: Uncertain significance for Intellectual developmental disorder with dysmorphic facies and behavioral abnormalities. Last evaluated: 2020-06-26. Review status: criteria provided, single submitter. Criteria: NYGC Assertion Criteria 2020. Collection method: clinical testing. Allele origin: germline. Observed: 1 heterozygote. Study: CSER-NYCKidSeq.
Comment: The c.2443_2446+5del variant encompassing a canonical splice site identified in the FBXO11 gene has not been reported in the literature. This variant is not reported in the gnomAD database, indicating this is a rare alleleand predicted to damage the natural splice donorsite of intron 20, resulting in skipping of exon 20, which will resultin an in-frame deletion of 36AAs, p.(Gly780_Lys815del) [PMID: 18000842]. No disease-causing variants have been reported within the exon 20, and the exon is not part of any known domain [PMID: 29425356]. Based on the available evidence, the variant c.2443_2446+5del in the FBXO11 gene is classified as a Variant of Uncertain Significance.